The following is an entry in ClinVar:

NM_013275.6(ANKRD11):c.1970T>A (p.Phe657Tyr)

Gene: ANKRD11 (ankyrin repeat domain 11; minus strand). Cytogenetic location: 16q24.3.
Variant type: single nucleotide variant.
Coding change: c.1970T>A on transcript NM_013275.6 (MANE Select); coding-DNA position 1970, T replaced by A.
Protein change: p.Phe657Tyr; replaces phenylalanine 657 with tyrosine.
Molecular consequence: missense variant.
Genome position (GRCh38, 1-based): chr16:89,284,572, A>T on the plus strand (T>A on the coding strand, the complement: ANKRD11 is on the minus strand). VCF-style: chr16-89284572-A-T. GRCh37 (hg19) VCF-style: chr16-89350980-A-T.
Other names: c.1970T>A (NM_013275.4); c.1970T>A, p.Phe657Tyr (NM_001256182.2, NM_001256183.2); short protein forms F657Y.
Identifiers: ClinVar variation 2637140 (VCV002637140.5), dbSNP rs374714172, ClinGen allele CA8242654.
Genomic context (GRCh38, chr16:89,284,572, plus strand): 5'-TCATTCTCTAACAGTATAGCCTTATCTGACTTCTGCTTGGAGTCCTCATATTCGTAAGTA[A>T]AACTTTTCAACTTCAGCTCTTGGCTGATGGAACACTGTCCCTTCTCCTTGTTTTTGTGTT-3'
Protein context (NP_037407.4, residues 647-667): SISQELKLKS[Phe657Tyr]TYEYEDSKQK

ClinVar aggregate classification (germline): Conflicting classifications of pathogenicity. Review status: criteria provided, conflicting classifications (1 of 4 stars). 3 submissions from 3 submitters: Uncertain significance (2); Likely benign (1). Last evaluated 2025-02-24.

Conditions:
KBG syndrome (KBGS). Also called: ANKRD11-Related KBG Syndrome. Identifiers: Orphanet 2332, MedGen C0220687, MONDO:0007846, OMIM 148050.
Inborn genetic diseases. Identifiers: MedGen C0950123, MeSH D030342.
ANKRD11-related disorder. Also called: ANKRD11-related condition.

Allele frequency attached by ClinVar (database versions not stated): gnomAD 0.00001; TOPMed 0.00001; ExAC 0.00006; ESP Exome Variant Server 0.00008.
gnomAD v4.1: 88 of 1,613,988 alleles (0.0055%); highest among the groups gnomAD compares: Non-Finnish European, 0.007%; no homozygotes.

Submissions (3):

Labcorp Genetics (formerly Invitae), Labcorp
Classification: Uncertain significance for KBG syndrome. Last evaluated: 2025-02-24. Review status: criteria provided, single submitter. Criteria: Invitae Variant Classification Sherloc (09022015). Collection method: clinical testing. Allele origin: germline.
Comment: This sequence change replaces phenylalanine, which is neutral and non-polar, with tyrosine, which is neutral and polar, at codon 657 of the ANKRD11 protein (p.Phe657Tyr). This variant is present in population databases (rs374714172, gnomAD 0.007%). This variant has not been reported in the literature in individuals affected with ANKRD11-related conditions. ClinVar contains an entry for this variant (Variation ID: 2637140). Invitae Evidence Modeling of protein sequence and biophysical properties (such as structural, functional, and spatial information, amino acid conservation, physicochemical variation, residue mobility, and thermodynamic stability) indicates that this missense variant is not expected to disrupt ANKRD11 protein function with a negative predictive value of 95%. In summary, the available evidence is currently insufficient to determine the role of this variant in disease. Therefore, it has been classified as a Variant of Uncertain Significance.

Ambry Genetics
Classification: Likely benign for Inborn genetic diseases. Last evaluated: 2025-01-17. Review status: criteria provided, single submitter. Criteria: Ambry Variant Classification Scheme 2023. Collection method: clinical testing. Allele origin: germline.

PreventionGenetics, part of Exact Sciences
Classification: Uncertain significance for ANKRD11-related condition. Last evaluated: 2023-08-08. Review status: criteria provided, single submitter. Criteria: ACMG Guidelines, 2015. Collection method: clinical testing. Allele origin: germline.
Comment: The ANKRD11 c.1970T>A variant is predicted to result in the amino acid substitution p.Phe657Tyr. To our knowledge, this variant has not been reported in the literature. This variant is reported in 0.0062% of alleles in individuals of African descent in gnomAD. At this time, the clinical significance of this variant is uncertain due to the absence of conclusive functional and genetic evidence.